The following is an entry in ClinVar:

NM_022124.6(CDH23):c.8086C>A (p.Leu2696Met)

Gene: CDH23 (cadherin related 23; plus strand). Cytogenetic location: 10q22.1.
Variant type: single nucleotide variant.
Coding change: c.8086C>A on transcript NM_022124.6 (MANE Select); coding-DNA position 8086, C replaced by A.
Protein change: p.Leu2696Met; replaces leucine 2696 with methionine.
Molecular consequence: missense variant.
Genome position (GRCh38, 1-based): chr10:71,806,189, C>A. VCF-style: chr10-71806189-C-A. GRCh37 (hg19) VCF-style: chr10-73565946-C-A.
Other names: c.8086C>A (NM_022124.5); c.1366C>A, p.Leu456Met (NM_001171933.1, NM_001171934.1); short protein forms L2696M, L456M.
Identifiers: ClinVar variation 1500768 (VCV001500768.5), dbSNP rs1464296095, ClinGen allele CA377162321.
Genomic context (GRCh38, chr10:71,806,189, plus strand): 5'-TCCCAGTCTTTTCCTCTGACTGTGCTCTTCCGCTCCTAGCTCATCTTGGTGGCCAGCGAC[C>A]TGGGCCAGCCAGTGCCATACGAGACTATGCAGCCGCTGCAGGTGGCCCTGGAGGACATCG-3'
Protein context (NP_071407.4, residues 2686-2706): VYSLILVASD[Leu2696Met]GQPVPYETMQ

ClinVar aggregate classification (germline): Uncertain significance. Review status: criteria provided, multiple submitters, no conflicts (2 of 4 stars). 3 submissions from 3 submitters: Uncertain significance (3). Last evaluated 2025-11-13.

Conditions:
Inborn genetic diseases. Identifiers: MedGen C0950123, MeSH D030342.

Allele frequency attached by ClinVar (database versions not stated): gnomAD exomes below 0.00001; TOPMed 0.00002.
gnomAD v4.1: 3 of 1,567,326 alleles (0.00019%); highest among the groups gnomAD compares: Admixed American, 0.0057%; no homozygotes.

Submissions (3):

Ambry Genetics
Classification: Uncertain significance for Inborn genetic diseases. Last evaluated: 2025-11-13. Review status: criteria provided, single submitter. Criteria: Ambry Variant Classification Scheme 2023. Collection method: clinical testing. Allele origin: germline.

Labcorp Genetics (formerly Invitae), Labcorp
Classification: Uncertain significance. Last evaluated: 2022-10-04. Review status: criteria provided, single submitter. Criteria: Invitae Variant Classification Sherloc (09022015). Collection method: clinical testing. Allele origin: germline.
Comment: This sequence change replaces leucine, which is neutral and non-polar, with methionine, which is neutral and non-polar, at codon 2696 of the CDH23 protein (p.Leu2696Met). This variant is not present in population databases (gnomAD no frequency). This variant has not been reported in the literature in individuals affected with CDH23-related conditions. ClinVar contains an entry for this variant (Variation ID: 1500768). Advanced modeling of protein sequence and biophysical properties (such as structural, functional, and spatial information, amino acid conservation, physicochemical variation, residue mobility, and thermodynamic stability) performed at Invitae indicates that this missense variant is not expected to disrupt CDH23 protein function. In summary, the available evidence is currently insufficient to determine the role of this variant in disease. Therefore, it has been classified as a Variant of Uncertain Significance.

Blueprint Genetics
Classification: Uncertain significance. Last evaluated: 2022-09-29. Review status: criteria provided, single submitter. Criteria: ACMG Guidelines, 2015. Collection method: clinical testing. Allele origin: germline.